The following is an entry in ClinVar:

NM_001025295.3(IFITM5):c.22G>A (p.Glu8Lys)

Gene: IFITM5 (interferon induced transmembrane protein 5; minus strand). Cytogenetic location: 11p15.5.
Variant type: single nucleotide variant.
Coding change: c.22G>A on transcript NM_001025295.3 (MANE Select); coding-DNA position 22, G replaced by A.
Protein change: p.Glu8Lys; replaces glutamic acid 8 with lysine.
Molecular consequence: missense variant.
Genome position (GRCh38, 1-based): chr11:299,469, C>T on the plus strand (G>A on the coding strand, the complement: IFITM5 is on the minus strand). VCF-style: chr11-299469-C-T. GRCh37 (hg19) VCF-style: chr11-299469-C-T.
Other names: short protein forms E8K.
Identifiers: ClinVar variation 2163159 (VCV002163159.4), dbSNP rs537904760, ClinGen allele CA5773530.

ClinVar aggregate classification (germline): Uncertain significance (1 of 4 stars; one submission).

Allele frequency attached by ClinVar (database versions not stated): gnomAD 0.00001; gnomAD exomes 0.00001; TOPMed 0.00002; ExAC 0.00007; 1000 Genomes Project 30x 0.00016; 1000 Genomes Project 0.00020.
gnomAD v4.1: 18 of 1,500,038 alleles (0.0012%); highest among the groups gnomAD compares: East Asian, 0.0075%; no homozygotes.

Submission:

Labcorp Genetics (formerly Invitae), Labcorp
Classification: Uncertain significance. Last evaluated: 2024-09-03. Review status: criteria provided, single submitter. Criteria: Invitae Variant Classification Sherloc (09022015). Collection method: clinical testing. Allele origin: germline.
Comment: This sequence change replaces glutamic acid, which is acidic and polar, with lysine, which is basic and polar, at codon 8 of the IFITM5 protein (p.Glu8Lys). The frequency data for this variant in the population databases is considered unreliable, as metrics indicate poor data quality at this position in the gnomAD database. This variant has not been reported in the literature in individuals affected with IFITM5-related conditions. ClinVar contains an entry for this variant (Variation ID: 2163159). An algorithm developed to predict the effect of missense changes on protein structure and function (PolyPhen-2) suggests that this variant is likely to be tolerated. In summary, the available evidence is currently insufficient to determine the role of this variant in disease. Therefore, it has been classified as a Variant of Uncertain Significance.